The following is an entry in ClinVar:

ClinVar aggregate classification (germline): Uncertain significance (1 of 4 stars; one submission).

Allele frequency attached by ClinVar (database versions not stated): gnomAD exomes below 0.00001; ExAC 0.00001; gnomAD 0.00001; TOPMed 0.00004.
gnomAD v4.1: 5 of 1,210,194 alleles (0.00041%); highest among the groups gnomAD compares: Admixed American, 0.0044%; no homozygotes.

Submission:

Labcorp Genetics (formerly Invitae), Labcorp
Classification: Uncertain significance. Last evaluated: 2025-10-04. Review status: criteria provided, single submitter. Criteria: Invitae Variant Classification Sherloc (09022015). Collection method: clinical testing. Allele origin: germline.
Comment: This sequence change replaces arginine, which is basic and polar, with tryptophan, which is neutral and slightly polar, at codon 376 of the TLR7 protein (p.Arg376Trp). This variant is present in population databases (rs748708984, gnomAD 0.008%). This variant has not been reported in the literature in individuals affected with TLR7-related conditions. ClinVar contains an entry for this variant (Variation ID: 1973930). An algorithm developed to predict the effect of missense changes on protein structure and function (PolyPhen-2) suggests that this variant is likely to be disruptive. In summary, the available evidence is currently insufficient to determine the role of this variant in disease. Therefore, it has been classified as a Variant of Uncertain Significance.

NM_016562.4(TLR7):c.1126C>T (p.Arg376Trp)

Gene: TLR7 (toll like receptor 7; plus strand). Cytogenetic location: Xp22.2.
Variant type: single nucleotide variant.
Coding change: c.1126C>T on transcript NM_016562.4 (MANE Select); coding-DNA position 1126, C replaced by T.
Protein change: p.Arg376Trp; replaces arginine 376 with tryptophan.
Molecular consequence: missense variant.
Genome position (GRCh38, 1-based): chrX:12,886,634, C>T. VCF-style: chrX-12886634-C-T. GRCh37 (hg19) VCF-style: chrX-12904753-C-T.
Other names: short protein forms R376W.
Identifiers: ClinVar variation 1973930 (VCV001973930.5), dbSNP rs748708984, ClinGen allele CA10349995.